The following is an entry in ClinVar:

NC_000010.10:g.(?_67680088)_(67680395_?)del

Gene: CTNNA3 (catenin alpha 3; minus strand). Cytogenetic location: 10q21.3.
Variant type: Deletion.
Identifiers: ClinVar variation 2425833 (VCV002425833.4).

ClinVar aggregate classification (germline): Uncertain significance (1 of 4 stars; one submission).

Conditions:
Arrhythmogenic right ventricular dysplasia 13. Also called: Arrhythmogenic right ventricular dysplasia, familial, 13; ARRHYTHMOGENIC RIGHT VENTRICULAR CARDIOMYOPATHY 13. Identifiers: MedGen C3810138, MONDO:0000908, OMIM 615616.

Submission:

Labcorp Genetics (formerly Invitae), Labcorp
Classification: Uncertain significance for Arrhythmogenic right ventricular dysplasia 13. Last evaluated: 2022-08-28. Review status: criteria provided, single submitter. Criteria: Invitae Variant Classification Sherloc (09022015). Collection method: clinical testing. Allele origin: germline.
Comment: In summary, the available evidence is currently insufficient to determine the role of this variant in disease. Therefore, it has been classified as a Variant of Uncertain Significance. This variant has not been reported in the literature in individuals affected with CTNNA3-related conditions. This variant is a gross deletion of the genomic region encompassing exon(s) 18 of the CTNNA3 gene, which includes the termination codon. This deletion extends beyond the assayed region for this gene and therefore may encompass additional genes. While this deletion is not anticipated to lead to nonsense mediated decay, it is expected to alter mRNA translation or result in a truncated protein product.